The following is an entry in ClinVar:

ClinVar aggregate classification (germline): Uncertain significance (1 of 4 stars; one submission).

Conditions:
PCNT-related disorder. Also called: PCNT-related condition.

Submission:

PreventionGenetics, part of Exact Sciences
Classification: Uncertain significance for PCNT-related condition. Last evaluated: 2025-09-24. Review status: criteria provided, single submitter. Criteria: ACMG Guidelines, 2015. Collection method: clinical testing. Allele origin: germline.
Comment: The PCNT c.4128_4142del15 variant is predicted to result in an in-frame deletion (p.Gln1377_Ala1381del). To our knowledge, this variant has not been reported in the literature. This variant is reported in 0.0083% of alleles in individuals of African descent in gnomAD. This variant is interpreted as no interpretation set.

NM_006031.6(PCNT):c.4128_4142del (p.Gln1377_Ala1381del)

Gene: PCNT (pericentrin; plus strand). Cytogenetic location: 21q22.3.
Variant type: Deletion.
Coding change: c.4128_4142del on transcript NM_006031.6 (MANE Select); coding-DNA positions 4128 to 4142, 15 bases deleted (CCAGGAGCAGGCGGC).
Protein change: p.Gln1377_Ala1381del.
Molecular consequence: inframe deletion.
Genome position (GRCh38, 1-based): chr21:46,391,288-46,391,302, CCAGGAGCAGGCGGC deleted; deleting any 15 consecutive bases within chr21:46,391,278-46,391,302 gives the same sequence; the c. name uses the placement nearest the transcript's 3' end. VCF-style (leftmost placement, unchanged base first): chr21-46391277-CAGCAGGCGGCCCAGG-C. GRCh37 (hg19) VCF-style: chr21-47811192-CAGCAGGCGGCCCAGG-C.
Other names: c.3774_3788del, p.Gln1259_Ala1263del (NM_001315529.2).
Identifiers: ClinVar variation 4992337 (VCV004992337.1).